The following is an entry in ClinVar:

NM_003403.5(YY1):c.893G>A (p.Cys298Tyr)

Gene: YY1 (YY1 transcription factor; plus strand). Cytogenetic location: 14q32.2.
Variant type: single nucleotide variant.
Coding change: c.893G>A on transcript NM_003403.5 (MANE Select); coding-DNA position 893, G replaced by A.
Protein change: p.Cys298Tyr; replaces cysteine 298 with tyrosine.
Molecular consequence: missense variant.
Genome position (GRCh38, 1-based): chr14:100,274,748, G>A. VCF-style: chr14-100274748-G-A. GRCh37 (hg19) VCF-style: chr14-100741085-G-A.
Other names: short protein forms C298Y.
Identifiers: ClinVar variation 3731150 (VCV003731150.1).

ClinVar aggregate classification (germline): Uncertain significance (1 of 4 stars; one submission).

Submission:

GeneDx
Classification: Uncertain significance. Last evaluated: 2024-08-14. Review status: criteria provided, single submitter. Criteria: GeneDx Variant Classification Process June 2021. Collection method: clinical testing. Allele origin: germline. Affected: yes.
Comment: Not observed at significant frequency in large population cohorts (gnomAD); In silico analysis supports that this missense variant has a deleterious effect on protein structure/function; Has not been previously published as pathogenic or benign to our knowledge